The following is an entry in ClinVar:

NM_013266.4(CTNNA3):c.2287C>G (p.Gln763Glu)

Gene: CTNNA3 (catenin alpha 3; minus strand). Cytogenetic location: 10q21.3.
Variant type: single nucleotide variant.
Coding change: c.2287C>G on transcript NM_013266.4 (MANE Select); coding-DNA position 2287, C replaced by G.
Protein change: p.Gln763Glu; replaces glutamine 763 with glutamic acid.
Molecular consequence: missense variant.
Genome position (GRCh38, 1-based): chr10:65,966,725, G>C on the plus strand (C>G on the coding strand, the complement: CTNNA3 is on the minus strand). VCF-style: chr10-65966725-G-C. GRCh37 (hg19) VCF-style: chr10-67726483-G-C.
Other names: c.2287C>G, p.Gln763Glu (NM_001127384.3); short protein forms Q763E.
Identifiers: ClinVar variation 1789023 (VCV001789023.2), dbSNP rs2492644281, ClinGen allele CA377090129.

ClinVar aggregate classification (germline): Uncertain significance (1 of 4 stars; one submission).

Submission:

Ambry Genetics
Classification: Uncertain significance. Last evaluated: 2021-06-23. Review status: criteria provided, single submitter. Criteria: Ambry Variant Classification Scheme 2023. Collection method: clinical testing. Allele origin: germline.
Comment: The p.Q763E variant (also known as c.2287C>G), located in coding exon 16 of the CTNNA3 gene, results from a C to G substitution at nucleotide position 2287. The glutamine at codon 763 is replaced by glutamic acid, an amino acid with highly similar properties. This amino acid position is conserved. In addition, this alteration is predicted to be tolerated by in silico analysis. Since supporting evidence is limited at this time, the clinical significance of this alteration remains unclear.